The following is an entry in ClinVar:

NM_000416.3(IFNGR1):c.1448A>G (p.Glu483Gly)

Gene: IFNGR1 (interferon gamma receptor 1; minus strand). Cytogenetic location: 6q23.3.
Variant type: single nucleotide variant.
Coding change: c.1448A>G on transcript NM_000416.3 (MANE Select); coding-DNA position 1448, A replaced by G.
Protein change: p.Glu483Gly; replaces glutamic acid 483 with glycine.
Molecular consequence: missense variant.
Genome position (GRCh38, 1-based): chr6:137,198,053, T>C on the plus strand (A>G on the coding strand, the complement: IFNGR1 is on the minus strand). VCF-style: chr6-137198053-T-C. GRCh37 (hg19) VCF-style: chr6-137519190-T-C.
Other names: c.1418A>G, p.Glu473Gly (NM_001363526.1); c.1325A>G, p.Glu442Gly (NM_001363527.1); short protein forms E483G, E473G, E442G.
Identifiers: ClinVar variation 582212 (VCV000582212.12), dbSNP rs1341362925, ClinGen allele CA365771673.
Genomic context (GRCh38, chr6:137,198,053, plus strand): 5'-GAAAATCAGACTTCAAAGTTGGTGCAACTTAGCTGATCTCATGAAAATTCTTTGGAATCT[T>C]CTGTTGGTCTATAACCAATCAAGGACTCTTTACCGCTATCATCCACAAGTAGATCCACTA-3'
Protein context (NP_000407.1, residues 473-489): KESLIGYRPT[Glu483Gly]DSKEFS

ClinVar aggregate classification (germline): Uncertain significance (1 of 4 stars; one submission).

Conditions:
Disseminated atypical mycobacterial infection. Identifiers: MedGen C0694566.

Allele frequency attached by ClinVar (database versions not stated): TOPMed 0.00001; gnomAD exomes below 0.00001.

Submission:

Labcorp Genetics (formerly Invitae), Labcorp
Classification: Uncertain significance for Disseminated atypical mycobacterial infection. Last evaluated: 2025-12-03. Review status: criteria provided, single submitter. Criteria: Invitae Variant Classification Sherloc (09022015). Collection method: clinical testing. Allele origin: germline.
Comment: This sequence change replaces glutamic acid, which is acidic and polar, with glycine, which is neutral and non-polar, at codon 483 of the IFNGR1 protein (p.Glu483Gly). This variant is not present in population databases (gnomAD no frequency). This variant has not been reported in the literature in individuals affected with IFNGR1-related conditions. ClinVar contains an entry for this variant (Variation ID: 582212). Invitae Evidence Modeling of protein sequence and biophysical properties (such as structural, functional, and spatial information, amino acid conservation, physicochemical variation, residue mobility, and thermodynamic stability) indicates that this missense variant is not expected to disrupt IFNGR1 protein function with a negative predictive value of 80%. In summary, the available evidence is currently insufficient to determine the role of this variant in disease. Therefore, it has been classified as a Variant of Uncertain Significance.